The following is an entry in ClinVar:

ClinVar aggregate classification (germline): Uncertain significance (1 of 4 stars; one submission).

Conditions:
DCAF17-related disorder. Also called: DCAF17-related condition.

Submission:

PreventionGenetics, part of Exact Sciences
Classification: Uncertain significance for DCAF17-related condition. Last evaluated: 2025-01-12. Review status: criteria provided, single submitter. Criteria: ACMG Guidelines, 2015. Collection method: clinical testing. Allele origin: germline.
Comment: The DCAF17 c.733-8_733-4dup5 variant is predicted to result in an intronic duplication. To our knowledge, this variant has not been reported in the literature or in a large population database (gnomAD), indicating this variant is rare. At this time, the clinical significance of this variant is uncertain due to the absence of conclusive functional and genetic evidence.

NM_025000.4(DCAF17):c.733-22TTTTG[4]

Gene: DCAF17 (DDB1 and CUL4 associated factor 17; plus strand). Cytogenetic location: 2q31.1.
Variant type: Microsatellite.
Coding change: c.733-22TTTTG[4] on transcript NM_025000.4 (MANE Select); four copies in a row of the 5-base unit TTTTG starting at c.733-22.
Molecular consequence: intron variant.
Genome position: GRCh38 VCF-style: chr2-171458349-T-TTTTTG. GRCh37 (hg19) VCF-style: chr2-172314859-T-TTTTTG.
Other names: c.733-22TTTTG[4] (NM_001164821.2).
Identifiers: ClinVar variation 4977540 (VCV004977540.1).